The following is an entry in ClinVar:

ClinVar aggregate classification (germline): Uncertain significance (1 of 4 stars; one submission).

Conditions:
EAST syndrome (SESAMES). Also called: SEIZURES, SENSORINEURAL DEAFNESS, ATAXIA, IMPAIRED INTELLECTUAL DEVELOPMENT, AND ELECTROLYTE IMBALANCE. Identifiers: Orphanet 199343, MedGen C2748572, MONDO:0013005, OMIM 612780.

Submission:

Labcorp Genetics (formerly Invitae), Labcorp
Classification: Uncertain significance for EAST syndrome. Last evaluated: 2024-02-17. Review status: criteria provided, single submitter. Criteria: Invitae Variant Classification Sherloc (09022015). Collection method: clinical testing. Allele origin: germline.
Comment: This sequence change replaces proline, which is neutral and non-polar, with threonine, which is neutral and polar, at codon 23 of the KCNJ10 protein (p.Pro23Thr). This variant is not present in population databases (gnomAD no frequency). This variant has not been reported in the literature in individuals affected with KCNJ10-related conditions. ClinVar contains an entry for this variant (Variation ID: 1716684). Advanced modeling of protein sequence and biophysical properties (such as structural, functional, and spatial information, amino acid conservation, physicochemical variation, residue mobility, and thermodynamic stability) performed at Invitae indicates that this missense variant is not expected to disrupt KCNJ10 protein function with a negative predictive value of 80%. In summary, the available evidence is currently insufficient to determine the role of this variant in disease. Therefore, it has been classified as a Variant of Uncertain Significance.

NM_002241.5(KCNJ10):c.67C>A (p.Pro23Thr)

Gene: KCNJ10 (potassium inwardly rectifying channel subfamily J member 10; minus strand). Cytogenetic location: 1q23.2.
Variant type: single nucleotide variant.
Coding change: c.67C>A on transcript NM_002241.5 (MANE Select); coding-DNA position 67, C replaced by A.
Protein change: p.Pro23Thr; replaces proline 23 with threonine.
Molecular consequence: missense variant.
Genome position (GRCh38, 1-based): chr1:160,042,466, G>T on the plus strand (C>A on the coding strand, the complement: KCNJ10 is on the minus strand). VCF-style: chr1-160042466-G-T. GRCh37 (hg19) VCF-style: chr1-160012256-G-T.
Other names: short protein forms P23T.
Identifiers: ClinVar variation 1716684 (VCV001716684.6), dbSNP rs1648632903, ClinGen allele CA343230615.